The following is an entry in ClinVar:

ClinVar aggregate classification (germline): Uncertain significance (1 of 4 stars; one submission).

Submission:

GeneDx
Classification: Uncertain significance. Last evaluated: 2017-07-14. Review status: criteria provided, single submitter. Criteria: GeneDx Variant Classification (06012015). Collection method: clinical testing. Allele origin: germline. Affected: yes.
Comment: The I83L variant in the PDE6H gene has not been reported previously as a pathogenic variant, nor as a benign variant, to our knowledge. The I83L variant is not observed in large population cohorts (Lek et al., 2016; 1000 Genomes Consortium et al., 2015; Exome Variant Server). The I83L variant is a conservative amino acid substitution, which is not likely to impact secondary protein structure as these residues share similar properties. This substitution occurs at a position that is conserved across species. In silico analysis is inconsistent in its predictions as to whether or not the variant is damaging to the protein structure/function. We interpret I83L as a variant of uncertain significance.

NM_006205.3(PDE6H):c.247A>C (p.Ile83Leu)

Gene: PDE6H (phosphodiesterase 6H; plus strand). Cytogenetic location: 12p12.3.
Variant type: single nucleotide variant.
Coding change: c.247A>C on transcript NM_006205.3 (MANE Select); coding-DNA position 247, A replaced by C.
Protein change: p.Ile83Leu; replaces isoleucine 83 with leucine.
Molecular consequence: missense variant.
Genome position (GRCh38, 1-based): chr12:14,981,471, A>C. VCF-style: chr12-14981471-A-C. GRCh37 (hg19) VCF-style: chr12-15134405-A-C.
Other names: short protein forms I83L.
Identifiers: ClinVar variation 450247 (VCV000450247.2), dbSNP rs1421690648, ClinGen allele CA384025627.